The following is an entry in ClinVar:

ClinVar aggregate classification (germline): Uncertain significance. Review status: criteria provided, multiple submitters, no conflicts (2 of 4 stars). 2 submissions from 2 submitters: Uncertain significance (2). Last evaluated 2024-09-13.

Conditions:
Multiple endocrine neoplasia, type 2 (MEN2). Identifiers: Orphanet 653, MedGen C4048306, MONDO:0019003. Disease mechanism: gain of function.
Hereditary cancer-predisposing syndrome. Also called: Neoplastic Syndromes, Hereditary; Tumor predisposition; Hereditary Cancer Syndrome; Hereditary neoplastic syndrome. Identifiers: Orphanet 140162, MedGen C0027672, MeSH D009386, MONDO:0015356.

Submissions (2):

Ambry Genetics
Classification: Uncertain significance for Hereditary cancer-predisposing syndrome. Last evaluated: 2024-09-13. Review status: criteria provided, single submitter. Criteria: Ambry Variant Classification Scheme 2023. Collection method: clinical testing. Allele origin: germline.
Comment: The p.K747E variant (also known as c.2239A>G), located in coding exon 12 of the RET gene, results from an A to G substitution at nucleotide position 2239. The lysine at codon 747 is replaced by glutamic acid, an amino acid with similar properties. This amino acid position is conserved. In addition, this alteration is predicted to be deleterious by in silico analysis. Based on the available evidence, the clinical significance of this variant remains unclear.

Labcorp Genetics (formerly Invitae), Labcorp
Classification: Uncertain significance for Multiple endocrine neoplasia, type 2. Last evaluated: 2024-06-13. Review status: criteria provided, single submitter. Criteria: Invitae Variant Classification Sherloc (09022015). Collection method: clinical testing. Allele origin: germline.
Comment: This sequence change replaces lysine, which is basic and polar, with glutamic acid, which is acidic and polar, at codon 747 of the RET protein (p.Lys747Glu). This variant is not present in population databases (gnomAD no frequency). This variant has not been reported in the literature in individuals affected with RET-related conditions. An algorithm developed to predict the effect of missense changes on protein structure and function (PolyPhen-2) suggests that this variant is likely to be tolerated. In summary, the available evidence is currently insufficient to determine the role of this variant in disease. Therefore, it has been classified as a Variant of Uncertain Significance.

NM_020975.6(RET):c.2239A>G (p.Lys747Glu)

Gene: RET (ret proto-oncogene; plus strand). Cytogenetic location: 10q11.21.
Variant type: single nucleotide variant.
Coding change: c.2239A>G on transcript NM_020975.6 (MANE Select); coding-DNA position 2239, A replaced by G.
Protein change: p.Lys747Glu; replaces lysine 747 with glutamic acid.
Molecular consequence: missense variant.
Genome position (GRCh38, 1-based): chr10:43,116,686, A>G. VCF-style: chr10-43116686-A-G. GRCh37 (hg19) VCF-style: chr10-43612134-A-G.
Other names: c.1477A>G, p.Lys493Glu (NM_001355216.2); c.2239A>G, p.Lys747Glu (NM_001406743.1, NM_001406744.1, NM_001406759.1 and 2 more transcripts); c.2110A>G, p.Lys704Glu (NM_001406761.1, NM_001406762.1, NM_001406764.1); c.2104A>G, p.Lys702Glu (NM_001406763.1, NM_001406765.1); c.1951A>G, p.Lys651Glu (NM_001406766.1, NM_001406767.1, NM_001406770.1); c.1975A>G, p.Lys659Glu (NM_001406768.1); c.1843A>G, p.Lys615Glu (NM_001406769.1, NM_001406772.1); c.1801A>G, p.Lys601Glu (NM_001406771.1, NM_001406773.1); and 10 more; short protein forms K405E, K615E, K747E, K264E, K352E, K403E, K408E, K601E.
Identifiers: ClinVar variation 3432259 (VCV003432259.3).